The following is an entry in ClinVar:

NM_002528.7(NTHL1):c.829_834del (p.Phe277_Gly278del)

Gene: NTHL1 (nth like DNA glycosylase 1; minus strand). Cytogenetic location: 16p13.3.
Variant type: Deletion.
Coding change: c.829_834del on transcript NM_002528.7 (MANE Select); coding-DNA positions 829 to 834, 6 bases deleted (TTCGGC; older notation c.829_834delTTCGGC).
Protein change: p.Phe277_Gly278del.
Molecular consequence: inframe deletion.
Genome position (GRCh38, 1-based): chr16:2,040,005-2,040,010, GCCGAA deleted on the plus strand (TTCGGC on the coding strand, the reverse complement: NTHL1 is on the minus strand); deleting any 6 consecutive bases within chr16:2,040,005-2,040,013 gives the same sequence; the c. name uses the placement nearest the transcript's 3' end. VCF-style (leftmost placement, unchanged base first): chr16-2040004-GGCCGAA-G. GRCh37 (hg19) VCF-style: chr16-2090005-GGCCGAA-G.
Other names: c.658_663del, p.Phe220_Gly221del (NM_001318193.2); c.499_504del, p.Phe167_Gly168del (NM_001318194.2).
Identifiers: ClinVar variation 1993931 (VCV001993931.4), dbSNP rs2548311457, ClinGen allele CA2580090503.

ClinVar aggregate classification (germline): Uncertain significance (1 of 4 stars; one submission).

Submission:

Labcorp Genetics (formerly Invitae), Labcorp
Classification: Uncertain significance. Last evaluated: 2022-05-19. Review status: criteria provided, single submitter. Criteria: Invitae Variant Classification Sherloc (09022015). Collection method: clinical testing. Allele origin: germline.
Comment: In summary, the available evidence is currently insufficient to determine the role of this variant in disease. Therefore, it has been classified as a Variant of Uncertain Significance. Experimental studies and prediction algorithms are not available or were not evaluated, and the functional significance of this variant is currently unknown. This variant has not been reported in the literature in individuals affected with NTHL1-related conditions. This variant is not present in population databases (gnomAD no frequency). This variant, c.853_858del, results in the deletion of 2 amino acid(s) of the NTHL1 protein (p.Phe285_Gly286del), but otherwise preserves the integrity of the reading frame.